The following is an entry in ClinVar:

ClinVar aggregate classification (germline): Uncertain significance (1 of 4 stars; one submission).

Submission:

GeneDx
Classification: Uncertain significance. Last evaluated: 2024-08-06. Review status: criteria provided, single submitter. Criteria: GeneDx Variant Classification Process June 2021. Collection method: clinical testing. Allele origin: germline. Affected: yes.
Comment: Not observed at significant frequency in large population cohorts (gnomAD); In silico analysis supports that this missense variant has a deleterious effect on protein structure/function; Has not been previously published as pathogenic or benign to our knowledge

NM_014159.7(SETD2):c.1112C>T (p.Thr371Ile)

Gene: SETD2 (SET domain containing 2, histone lysine methyltransferase; minus strand). Cytogenetic location: 3p21.31.
Variant type: single nucleotide variant.
Coding change: c.1112C>T on transcript NM_014159.7 (MANE Select); coding-DNA position 1112, C replaced by T.
Protein change: p.Thr371Ile; replaces threonine 371 with isoleucine.
Molecular consequence: missense variant. On other transcripts: non-coding transcript variant (1).
Genome position (GRCh38, 1-based): chr3:47,123,524, G>A on the plus strand (C>T on the coding strand, the complement: SETD2 is on the minus strand). VCF-style: chr3-47123524-G-A. GRCh37 (hg19) VCF-style: chr3-47165014-G-A.
Other names: c.980C>T, p.Thr327Ile (NM_001349370.3); short protein forms T327I, T371I.
Identifiers: ClinVar variation 3602823 (VCV003602823.1).